The following is an entry in ClinVar:

ClinVar aggregate classification (germline): Pathogenic. Review status: criteria provided, single submitter (1 of 4 stars). 2 submissions from 2 submitters: Pathogenic (1). 1 of the submissions does not count toward it. Last evaluated 2023-08-02.

Conditions:
ITGB4-related disorder. Also called: ITGB4-related condition.

Allele frequency attached by ClinVar (database versions not stated): gnomAD exomes below 0.00001; TOPMed below 0.00001; gnomAD 0.00001.
gnomAD v4.1: 2 of 1,613,860 alleles (0.00012%); highest among the groups gnomAD compares: Non-Finnish European, 0.000085%; no homozygotes.

Submissions (2):

Labcorp Genetics (formerly Invitae), Labcorp
Classification: Pathogenic. Last evaluated: 2023-08-02. Review status: criteria provided, single submitter. Criteria: Invitae Variant Classification Sherloc (09022015). Collection method: clinical testing. Allele origin: germline.
Comment: For these reasons, this variant has been classified as Pathogenic. This premature translational stop signal has been observed in individual(s) with epidermolysis bullosa (PMID: 9422533). This variant is present in population databases (no rsID available, gnomAD 0.007%). This sequence change creates a premature translational stop signal (p.Gln73*) in the ITGB4 gene. It is expected to result in an absent or disrupted protein product. Loss-of-function variants in ITGB4 are known to be pathogenic (PMID: 11328943, 16473856).

PreventionGenetics, part of Exact Sciences
Classification: Pathogenic for ITGB4-related condition. Last evaluated: 2024-07-08. Review status: no assertion criteria provided. Collection method: clinical testing. Allele origin: germline. Not counted in ClinVar's aggregate classification.
Comment: The ITGB4 c.217C>T variant is predicted to result in premature protein termination (p.Gln73*). This variant has been reported in an individual with autosomal recessive epidermolysis bullosa with pyloric atresia (reported as Q73X, Pulkkinen et al 1998. PubMed ID: 9422533). This variant is reported in 0.0065% of alleles in individuals of European (Non-Finnish) descent in gnomAD. Nonsense variants in ITGB4 are expected to be pathogenic. This variant is interpreted as pathogenic.

Literature cited by the submitters: PubMed 9422533 (cited by Labcorp Genetics (formerly Invitae), Labcorp); PubMed 11328943 (cited by Labcorp Genetics (formerly Invitae), Labcorp); PubMed 16473856 (cited by Labcorp Genetics (formerly Invitae), Labcorp).

NM_000213.5(ITGB4):c.217C>T (p.Gln73Ter)

Gene: ITGB4 (integrin subunit beta 4; plus strand). Cytogenetic location: 17q25.1.
Variant type: single nucleotide variant.
Coding change: c.217C>T on transcript NM_000213.5 (MANE Select); coding-DNA position 217, C replaced by T.
Protein change: p.Gln73Ter; replaces glutamine 73 with a stop codon.
Molecular consequence: nonsense.
Genome position (GRCh38, 1-based): chr17:75,727,458, C>T. VCF-style: chr17-75727458-C-T. GRCh37 (hg19) VCF-style: chr17-73723539-C-T.
Other names: c.217C>T, p.Gln73Ter (NM_001005619.2, NM_001005731.3, NM_001321123.2); short protein forms Q73*.
Identifiers: ClinVar variation 2736647 (VCV002736647.4), dbSNP rs1392939514, ClinGen allele CA401038444.